The following is an entry in ClinVar:

NM_014516.4(CNOT3):c.1865G>A (p.Trp622Ter)

Gene: CNOT3 (CCR4-NOT transcription complex subunit 3; plus strand). Cytogenetic location: 19q13.42.
Variant type: single nucleotide variant.
Coding change: c.1865G>A on transcript NM_014516.4 (MANE Select); coding-DNA position 1865, G replaced by A.
Protein change: p.Trp622Ter; replaces tryptophan 622 with a stop codon.
Molecular consequence: nonsense.
Genome position (GRCh38, 1-based): chr19:54,152,587, G>A. VCF-style: chr19-54152587-G-A. GRCh37 (hg19) VCF-style: chr19-54656324-G-A.
Other names: short protein forms W622*.
Identifiers: ClinVar variation 1806021 (VCV001806021.1), dbSNP rs2514116435, ClinGen allele CA407769694.
Genomic context (GRCh38, chr19:54,152,587, plus strand): 5'-TGGGCCCTGTGCCCCTCACCAAGGAGCAGCTCTATCAGCAGGCCATGGAAGAGGCCGCCT[G>A]GCACCACATGCCTCACCCCTCTGACTCTGAGCGTATTCGGTGAGGGGCCACAGGGAAGGG-3'

ClinVar aggregate classification (germline): Pathogenic (1 of 4 stars; one submission).

Conditions:
Intellectual developmental disorder with speech delay, autism, and dysmorphic facies. Identifiers: MedGen C5231456, MONDO:0032864, OMIM 618672.

Submission:

Victorian Clinical Genetics Services, Murdoch Childrens Research Institute
Classification: Pathogenic for Intellectual developmental disorder with speech delay, autism, and dysmorphic facies. Last evaluated: 2020-05-26. Review status: criteria provided, single submitter. Criteria: ACMG Guidelines, 2015. Collection method: clinical testing. Allele origin: germline. Inheritance: Autosomal dominant inheritance. Affected: yes.
Comment: Based on the classification scheme VCGS_Germline_v1.1.1, this variant is classified as Pathogenic. Following criteria are met: 0102 - Loss-of-function is a known mechanism of disease for this gene. (N) 0107 - This gene is known to be associated with autosomal dominant disease. (N) 0201 - Variant is predicted to cause nonsense-mediated decay (NMD) and loss of protein (exon 15 of 18). (P) 0251 - Variant is heterozygous. (N) 0301 - Variant is absent from gnomAD. (P) 0702 - Comparable variants have strong previous evidence for pathogenicity. Other variants predicted to cause NMD have been reported as pathogenic in multiple individuals (ClinVar, PMID: 31201375). (P) 0803 - Low previous evidence of pathogenicity in unrelated individuals. The variant has been previously reported in one de novo patient with ID (PMID: 31201375). (P) 0905 - No segregation evidence has been identified for this variant. (N) 1007 - No published functional evidence has been identified for this variant. (N) 1208 - Inheritance information for this variant is not currently available. (N) Legend: (P) - Pathogenic, (N) - Neutral, (B) - Benign

Literature cited by the submitters: PubMed 31201375.